The following is an entry in ClinVar:

NM_138386.3(NAF1):c.540T>C (p.Asn180=)

Gene: NAF1 (nuclear assembly factor 1 ribonucleoprotein; minus strand). Cytogenetic location: 4q32.2.
Variant type: single nucleotide variant.
Coding change: c.540T>C on transcript NM_138386.3 (MANE Select); coding-DNA position 540, T replaced by C.
Protein change: p.Asn180=; no amino-acid change (asparagine 180 retained).
Molecular consequence: synonymous variant.
Genome position (GRCh38, 1-based): chr4:163,164,217, A>G on the plus strand (T>C on the coding strand, the complement: NAF1 is on the minus strand). VCF-style: chr4-163164217-A-G. GRCh37 (hg19) VCF-style: chr4-164085369-A-G.
Other names: c.540T>C, p.Asn180= (NM_001128931.2).
Identifiers: ClinVar variation 4696374 (VCV004696374.1).
Genomic context (GRCh38, chr4:163,164,217, plus strand): 5'-ACTGGTACCAGAATACGTTTTAAAACATGCAAACTAAGCTTAATAAATCTAAGTACTTAC[A>G]TTAAGAAGTAATTCATCTTTTGTTTTAAGAGGAAAATTCTTATTTTCCTTCTCAATTTGT-3'
Protein context (NP_612395.2, residues 170-190): PLKTKDELLL[Asn180=]ELPSVEELTI

ClinVar aggregate classification (germline): Uncertain significance (1 of 4 stars; one submission).

gnomAD v4.1: 38 of 1,533,058 alleles (0.0025%); highest among the groups gnomAD compares: Non-Finnish European, 0.0031%; no homozygotes.

Submission:

Labcorp Genetics (formerly Invitae), Labcorp
Classification: Uncertain significance. Last evaluated: 2025-12-22. Review status: criteria provided, single submitter. Criteria: Invitae Variant Classification Sherloc (09022015). Collection method: clinical testing. Allele origin: germline.
Comment: This sequence change affects codon 180 of the NAF1 mRNA. It is a 'silent' change, meaning that it does not change the encoded amino acid sequence of the NAF1 protein. It affects a nucleotide within the consensus splice site. This variant is not present in population databases (gnomAD no frequency). This variant has not been reported in the literature in individuals affected with NAF1-related conditions. Algorithms developed to predict the effect of sequence changes on RNA splicing suggest that this variant is not likely to affect RNA splicing. In summary, the available evidence is currently insufficient to determine the role of this variant in disease. Therefore, it has been classified as a Variant of Uncertain Significance.